The following is an entry in ClinVar:

NM_015135.3(NUP205):c.5276A>G (p.Asn1759Ser)

Gene: NUP205 (nucleoporin 205; plus strand). Cytogenetic location: 7q33.
Variant type: single nucleotide variant.
Coding change: c.5276A>G on transcript NM_015135.3 (MANE Select); coding-DNA position 5276, A replaced by G.
Protein change: p.Asn1759Ser; replaces asparagine 1759 with serine.
Molecular consequence: missense variant.
Genome position (GRCh38, 1-based): chr7:135,638,567, A>G. VCF-style: chr7-135638567-A-G. GRCh37 (hg19) VCF-style: chr7-135323315-A-G.
Other names: c.4202A>G, p.Asn1401Ser (NM_001329434.2); c.5276A>G (NM_015135.2); short protein forms N1401S, N1759S.
Identifiers: ClinVar variation 2658008 (VCV002658008.28), dbSNP rs144797408, ClinGen allele CA4499147.

ClinVar aggregate classification (germline): Conflicting classifications of pathogenicity. Review status: criteria provided, conflicting classifications (1 of 4 stars). 3 submissions from 3 submitters: Uncertain significance (1); Likely benign (1). 1 of the submissions does not count toward it. Last evaluated 2025-07-07.

Conditions:
NUP205-related disorder. Also called: NUP205-related condition.

Allele frequency attached by ClinVar (database versions not stated): ESP Exome Variant Server 0.00023.

Submissions (3):

Labcorp Genetics (formerly Invitae), Labcorp
Classification: Likely benign. Last evaluated: 2025-07-07. Review status: criteria provided, single submitter. Criteria: Invitae Variant Classification Sherloc (09022015). Collection method: clinical testing. Allele origin: germline.

CeGaT Center for Human Genetics Tuebingen
Classification: Uncertain significance. Last evaluated: 2022-05-01. Review status: criteria provided, single submitter. Criteria: CeGaT Center For Human Genetics Tuebingen Variant Classification Criteria Version 2. Collection method: clinical testing. Allele origin: germline. Affected: yes. Observed: 1 variant allele.

PreventionGenetics, part of Exact Sciences
Classification: Likely benign for NUP205-related condition. Last evaluated: 2022-12-22. Review status: no assertion criteria provided. Collection method: clinical testing. Allele origin: germline. Not counted in ClinVar's aggregate classification.
Comment: This variant is classified as likely benign based on ACMG/AMP sequence variant interpretation guidelines (Richards et al. 2015 PMID: 25741868, with internal and published modifications).